The following is an entry in ClinVar:

NM_000260.4(MYO7A):c.3997C>T (p.Gln1333Ter)

Gene: MYO7A (myosin VIIA; plus strand). Cytogenetic location: 11q13.5.
Variant type: single nucleotide variant.
Coding change: c.3997C>T on transcript NM_000260.4 (MANE Select); coding-DNA position 3997, C replaced by T.
Protein change: p.Gln1333Ter; replaces glutamine 1333 with a stop codon.
Molecular consequence: nonsense.
Genome position (GRCh38, 1-based): chr11:77,192,123, C>T. VCF-style: chr11-77192123-C-T. GRCh37 (hg19) VCF-style: chr11-76903168-C-T.
Other names: c.3997C>T, p.Gln1333Ter (NM_001127180.2); c.3964C>T, p.Gln1322Ter (NM_001369365.1); c.3997C>T (NM_000260.3); short protein forms Q1322*, Q1333*.
Identifiers: ClinVar variation 3335924 (VCV003335924.3).

ClinVar aggregate classification (germline): Likely pathogenic. Review status: criteria provided, multiple submitters, no conflicts (2 of 4 stars). 2 submissions from 2 submitters: Likely pathogenic (2). Last evaluated 2025-02-14.

Conditions:
Autosomal recessive nonsyndromic hearing loss 2. Also called: DEAFNESS, AUTOSOMAL RECESSIVE 2; NEUROSENSORY NONSYNDROMIC RECESSIVE DEAFNESS 2. Identifiers: Orphanet 90636, MedGen C1838701, MONDO:0010807, OMIM 600060.
MYO7A-related disorder. Also called: MYO7A-related disorders.

Submissions (2):

PreventionGenetics, part of Exact Sciences
Classification: Likely pathogenic for MYO7A-related condition. Last evaluated: 2025-02-14. Review status: criteria provided, single submitter. Criteria: ACMG Guidelines, 2015. Collection method: clinical testing. Allele origin: germline.
Comment: The MYO7A c.3997C>T variant is predicted to result in premature protein termination (p.Gln1333*). This variant has been reported in a cohort study of non-syndromic hearing loss (Budde et al. 2020. PubMed ID: 32279305). This variant is absent in a large population database (gnomAD), indicating this variant is rare. Nonsense variants in MYO7A are an established mechanism of disease. This variant is interpreted as likely pathogenic.

Medical Molecular Genetics Department, National Research Center
Classification: Likely pathogenic for Autosomal recessive nonsyndromic hearing loss 2. Last evaluated: 2024-01-02. Review status: criteria provided, single submitter. Criteria: ACMG Guidelines, 2015. Collection method: clinical testing. Allele origin: germline. Affected: yes.